The following is an entry in ClinVar:

NM_000844.4(GRM7):c.2698+6058G>A

Gene: GRM7 (glutamate metabotropic receptor 7; plus strand). Cytogenetic location: 3p26.1.
Variant type: single nucleotide variant.
Coding change: c.2698+6058G>A on transcript NM_000844.4 (MANE Select); 6058 bases into the intron after coding-DNA position 2698, G replaced by A.
Molecular consequence: intron variant.
Genome position (GRCh38, 1-based): chr3:7,686,353, G>A. VCF-style: chr3-7686353-G-A. GRCh37 (hg19) VCF-style: chr3-7728040-G-A.
Other names: c.2699-4G>A (NM_181874.3).
Identifiers: ClinVar variation 3052395 (VCV003052395.2), dbSNP rs369433440, ClinGen allele CA2235190.

ClinVar aggregate classification (germline): Likely benign (0 of 4 stars; one submission).

Conditions:
GRM7-related disorder. Also called: GRM7-related condition.

Allele frequency attached by ClinVar (database versions not stated): gnomAD exomes 0.00007; ExAC 0.00032; gnomAD 0.00074; 1000 Genomes Project 30x 0.00078; 1000 Genomes Project 0.00080; TOPMed 0.00091; ESP Exome Variant Server 0.00131.
gnomAD v4.1: 195 of 1,216,406 alleles (0.016%); highest among the groups gnomAD compares: African/African-American, 0.26%; no homozygotes.

Submission:

PreventionGenetics, part of Exact Sciences
Classification: Likely benign for GRM7-related condition. Last evaluated: 2019-08-28. Review status: no assertion criteria provided. Collection method: clinical testing. Allele origin: germline.
Comment: This variant is classified as likely benign based on ACMG/AMP sequence variant interpretation guidelines (Richards et al. 2015 PMID: 25741868, with internal and published modifications).